The following is an entry in ClinVar:

ClinVar aggregate classification (germline): Conflicting classifications of pathogenicity. Review status: criteria provided, conflicting classifications (1 of 4 stars). 7 submissions from 7 submitters: Uncertain significance (4); Likely benign (3). Last evaluated 2026-01-04.

Conditions:
Hereditary cancer-predisposing syndrome. Also called: Hereditary neoplastic syndrome; Tumor predisposition; Hereditary Cancer Syndrome; Neoplastic Syndromes, Hereditary. Identifiers: Orphanet 140162, MedGen C0027672, MeSH D009386, MONDO:0015356.
Hereditary breast ovarian cancer syndrome. Also called: BRCA1- and BRCA2-Associated Hereditary Breast and Ovarian Cancer; Hereditary breast and ovarian cancer syndrome (HBOC); Hereditary breast and/or ovarian cancer syndrome; Hereditary breast and ovarian cancer syndrome; Hereditary breast and ovarian cancer; Breast and ovarian cancer. Identifiers: Orphanet 145, MedGen C0677776, MeSH D061325, MONDO:0003582. Disease mechanism: loss of function.

Allele frequency attached by ClinVar (database versions not stated): ExAC 0.00001; gnomAD exomes 0.00001; gnomAD 0.00003; TOPMed 0.00003.

Submissions (7):

Labcorp Genetics (formerly Invitae), Labcorp
Classification: Uncertain significance for Hereditary breast ovarian cancer syndrome. Last evaluated: 2026-01-04. Review status: criteria provided, single submitter. Criteria: Invitae Variant Classification Sherloc (09022015). Collection method: clinical testing. Allele origin: germline.
Comment: This sequence change replaces glutamine, which is neutral and polar, with histidine, which is basic and polar, at codon 1509 of the BRCA2 protein (p.Gln1509His). The frequency data for this variant in the population databases is considered unreliable, as metrics indicate poor data quality at this position in the gnomAD database. This variant has not been reported in the literature in individuals affected with BRCA2-related conditions. ClinVar contains an entry for this variant (Variation ID: 220561). Invitae Evidence Modeling of protein sequence and biophysical properties (such as structural, functional, and spatial information, amino acid conservation, physicochemical variation, residue mobility, and thermodynamic stability) indicates that this missense variant is not expected to disrupt BRCA2 protein function with a negative predictive value of 95%. In summary, the available evidence is currently insufficient to determine the role of this variant in disease. Therefore, it has been classified as a Variant of Uncertain Significance.

Color Diagnostics, LLC DBA Color Health
Classification: Likely benign for Hereditary cancer-predisposing syndrome. Last evaluated: 2024-12-16. Review status: criteria provided, single submitter. Criteria: ACMG Guidelines, 2015. Collection method: clinical testing. Allele origin: germline.

Ambry Genetics
Classification: Likely benign for Hereditary cancer-predisposing syndrome. Last evaluated: 2024-11-09. Review status: criteria provided, single submitter. Criteria: Ambry Variant Classification Scheme 2023. Collection method: clinical testing. Allele origin: germline.

GeneDx
Classification: Uncertain significance. Last evaluated: 2023-06-28. Review status: criteria provided, single submitter. Criteria: GeneDx Variant Classification Process June 2021. Collection method: clinical testing. Allele origin: germline. Affected: yes.
Comment: Not observed at significant frequency in large population cohorts (gnomAD); In silico analysis supports that this missense variant has a deleterious effect on protein structure/function; Has not been previously published as pathogenic or benign to our knowledge; Also known as 4755A>C; This variant is associated with the following publications: (PMID: 32377563, 31911673, 29884841, 31853058)

University of Washington Department of Laboratory Medicine, University of Washington
Classification: Likely benign for Hereditary cancer-predisposing syndrome. Last evaluated: 2023-03-23. Review status: criteria provided, single submitter. Criteria: Dines et al. (Genet Med. 2020). Collection method: curation. Allele origin: germline.
Comment: Missense variant in a coldspot region where missense variants are very unlikely to be pathogenic (PMID:31911673).

BRCA2 exon 11 coldspot. Reclassification based on statistical prior probability.

Quest Diagnostics Nichols Institute San Juan Capistrano
Classification: Uncertain significance. Last evaluated: 2022-12-19. Review status: criteria provided, single submitter. Criteria: Quest Diagnostics criteria. Collection method: clinical testing. Allele origin: unknown.
Comment: The frequency of this variant in the general population, 0.00016 (4/24832 chromosomes), is uninformative in assessment of its pathogenicity. In a large-scale breast cancer association study, the variant was observed in an individual with breast cancer (PMID: 33471991 (2021), see also LOVD). Analysis of this variant using bioinformatics tools for the prediction of the effect of amino acid changes on protein structure and function yielded predictions that this variant is benign. Based on the available information, we are unable to determine the clinical significance of this variant.

Women's Health and Genetics/Laboratory Corporation of America, LabCorp
Classification: Uncertain significance. Last evaluated: 2019-07-02. Review status: criteria provided, single submitter. Criteria: LabCorp Variant Classification Summary - May 2015. Collection method: clinical testing. Allele origin: germline.
Comment: Variant summary: BRCA2 c.4527A>C (p.Gln1509His) results in a non-conservative amino acid change in the encoded protein sequence. Four of five in-silico tools predict a benign effect of the variant on protein function. The variant allele was found at a frequency of 8e-06 in 250290 control chromosomes, predominantly at a frequency of 0.00012 within the African or African-American subpopulation in the gnomAD database. The available data on variant occurrences in the general population are insufficient to allow any conclusion about variant significance. To our knowledge, no occurrence of c.4527A>C in individuals affected with Hereditary Breast and Ovarian Cancer and no experimental evidence demonstrating its impact on protein function have been reported. Four ClinVar submissions (evaluation after 2014) cites the variant as uncertain significance. Based on the evidence outlined above, the variant was classified as uncertain significance.

Literature cited by the submitters: PubMed 33471991 (cited by Quest Diagnostics Nichols Institute San Juan Capistrano); PubMed 26295337 (cited by Quest Diagnostics Nichols Institute San Juan Capistrano).

NM_000059.4(BRCA2):c.4527A>C (p.Gln1509His)

Gene: BRCA2 (BRCA2 DNA repair associated; plus strand). Cytogenetic location: 13q13.1.
Variant type: single nucleotide variant.
Coding change: c.4527A>C on transcript NM_000059.4 (MANE Select); coding-DNA position 4527, A replaced by C.
Protein change: p.Gln1509His; replaces glutamine 1509 with histidine.
Molecular consequence: missense variant.
Genome position (GRCh38, 1-based): chr13:32,338,882, A>C. VCF-style: chr13-32338882-A-C. GRCh37 (hg19) VCF-style: chr13-32913019-A-C.
Other names: short protein forms Q1509H.
Identifiers: ClinVar variation 220561 (VCV000220561.26), dbSNP rs56283738, ClinGen allele CA348344.